The following is an entry in ClinVar:

NM_001371928.1(AHDC1):c.73C>A (p.Pro25Thr)

Gene: AHDC1 (AT-hook DNA binding motif containing 1; minus strand). Cytogenetic location: 1p36.11.
Variant type: single nucleotide variant.
Coding change: c.73C>A on transcript NM_001371928.1 (MANE Select); coding-DNA position 73, C replaced by A.
Protein change: p.Pro25Thr; replaces proline 25 with threonine.
Molecular consequence: missense variant.
Genome position (GRCh38, 1-based): chr1:27,552,043, G>T on the plus strand (C>A on the coding strand, the complement: AHDC1 is on the minus strand). VCF-style: chr1-27552043-G-T. GRCh37 (hg19) VCF-style: chr1-27878554-G-T.
Other names: c.73C>A, p.Pro25Thr (NM_001029882.3); short protein forms P25T.
Identifiers: ClinVar variation 1464368 (VCV001464368.8), dbSNP rs2148298191, ClinGen allele CA339238574.

ClinVar aggregate classification (germline): Uncertain significance (1 of 4 stars; one submission).

gnomAD v4.1: 3 of 1,496,636 alleles (0.0002%); highest among the groups gnomAD compares: Non-Finnish European, 0.00027%; no homozygotes.

Submission:

Labcorp Genetics (formerly Invitae), Labcorp
Classification: Uncertain significance. Last evaluated: 2021-12-02. Review status: criteria provided, single submitter. Criteria: Invitae Variant Classification Sherloc (09022015). Collection method: clinical testing. Allele origin: germline.
Comment: In summary, the available evidence is currently insufficient to determine the role of this variant in disease. Therefore, it has been classified as a Variant of Uncertain Significance. Algorithms developed to predict the effect of missense changes on protein structure and function are either unavailable or do not agree on the potential impact of this missense change (SIFT: "Deleterious"; PolyPhen-2: "Possibly Damaging"; Align-GVGD: "Class C0"). This variant has not been reported in the literature in individuals affected with AHDC1-related conditions. This variant is not present in population databases (gnomAD no frequency). This sequence change replaces proline, which is neutral and non-polar, with threonine, which is neutral and polar, at codon 25 of the AHDC1 protein (p.Pro25Thr).